The following is an entry in ClinVar:

ClinVar aggregate classification (germline): Pathogenic (1 of 4 stars; one submission).

Conditions:
Combined immunodeficiency due to STK4 deficiency (IMD110). Also called: STK4 DEFICIENCY; MST1 DEFICIENCY; T-cell immunodeficiency, recurrent infections, and autoimmunity with or without cardiac malformations. Identifiers: Orphanet 314689, MedGen C3553943, MONDO:0013934, OMIM 614868.

Submission:

Labcorp Genetics (formerly Invitae), Labcorp
Classification: Pathogenic for Combined immunodeficiency due to STK4 deficiency. Last evaluated: 2025-10-04. Review status: criteria provided, single submitter. Criteria: Invitae Variant Classification Sherloc (09022015). Collection method: clinical testing. Allele origin: germline.
Comment: This sequence change creates a premature translational stop signal (p.Gly379Leufs*2) in the STK4 gene. It is expected to result in an absent or disrupted protein product. Loss-of-function variants in STK4 are known to be pathogenic (PMID: 22174160). This variant is not present in population databases (gnomAD no frequency). This variant has not been reported in the literature in individuals affected with STK4-related conditions. For these reasons, this variant has been classified as Pathogenic.

Literature cited by the submitters: PubMed 22174160.

NM_006282.5(STK4):c.1135_1138del (p.Gly379fs)

Gene: STK4 (serine/threonine kinase 4; plus strand). Cytogenetic location: 20q13.12.
Variant type: Microsatellite.
Coding change: c.1135_1138del on transcript NM_006282.5 (MANE Select); coding-DNA positions 1135 to 1138, 4 bases deleted (GGAA; older notation c.1135_1138delGGAA).
Protein change: p.Gly379fs; shifts the reading frame from glycine 379.
Molecular consequence: frameshift variant.
Genome position (GRCh38, 1-based): chr20:45,001,341-45,001,344, GGAA deleted; deleting any 4 consecutive bases within chr20:45,001,336-45,001,344 gives the same sequence; the c. name uses the placement nearest the transcript's 3' end. VCF-style (leftmost placement, unchanged base first): chr20-45001335-GAGGA-G. GRCh37 (hg19) VCF-style: chr20-43629976-GAGGA-G.
Other names: c.1135_1138del, p.Gly379fs (NM_001352385.2); short protein forms G379fs.
Identifiers: ClinVar variation 4717418 (VCV004717418.1).